The following is an entry in ClinVar:

ClinVar aggregate classification (germline): Pathogenic (1 of 4 stars; one submission).

Conditions:
Inborn genetic diseases. Identifiers: MedGen C0950123, MeSH D030342.

Submission:

Ambry Genetics
Classification: Pathogenic for Inborn genetic diseases. Last evaluated: 2014-07-24. Review status: criteria provided, single submitter. Criteria: Ambry General Variant Classification Scheme_2022. Collection method: clinical testing. Allele origin: germline. Observed: 1 variant allele.
Comment: The c.899_909delTGAAAAAAGAG (p.V300Afs*9) alteration, located in exon 10 (coding exon 6) of the MTIF2 gene, consists of a deletion of 11 nucleotides from position 899 to 909, causing a translational frameshift with a predicted alternate stop codon after 9 amino acids. Frameshift alterations are typically deleterious in nature (Richards, 2015). The MTIF2 c.899_909del p.V300AfsX9 variant leads to the formation of a truncated protein missing part of the GTP hydrolyzing G domain, the 37 amino acid insertion between domains V and VI that functions like the bacterial IF1 in binding to the small subunit of the ribosome (Gaur 2008) and the C2 subdomain of domain VI that is involved in binding to fMet-tRNAMet for translation initiation (Spencer 2004). Based on the available evidence, this alteration is classified as pathogenic.

NM_002453.3(MTIF2):c.899_909del (p.Val300fs)

Gene: MTIF2 (mitochondrial translational initiation factor 2; minus strand). Cytogenetic location: 2p16.1.
Variant type: Deletion.
Coding change: c.899_909del on transcript NM_002453.3 (MANE Select); coding-DNA positions 899 to 909, 11 bases deleted (TGAAAAAAGAG).
Protein change: p.Val300fs; shifts the reading frame from valine 300.
Molecular consequence: frameshift variant.
Genome position (GRCh38, 1-based): chr2:55,249,467-55,249,477, CTCTTTTTTCA deleted on the plus strand (TGAAAAAAGAG on the coding strand, the reverse complement: MTIF2 is on the minus strand); deleting any 11 consecutive bases within chr2:55,249,467-55,249,479 gives the same sequence; the c. name uses the placement nearest the transcript's 3' end. VCF-style (leftmost placement, unchanged base first): chr2-55249466-GCTCTTTTTTCA-G. GRCh37 (hg19) VCF-style: chr2-55476602-GCTCTTTTTTCA-G.
Other names: c.899_909delTGAAAAAAGAG (NM_001005369.1); c.899_909del, p.Val300fs (NM_001005369.1, NM_001321001.1, NM_001321002.1 and 2 more transcripts); c.170_180del, p.Val57fs (NM_001321005.1); short protein forms V300fs, V57fs.
Identifiers: ClinVar variation 520564 (VCV000520564.4), dbSNP rs1281877795, ClinGen allele CA658795797.